The following is an entry in ClinVar:

ClinVar aggregate classification (germline): Uncertain significance. Review status: criteria provided, multiple submitters, no conflicts (2 of 4 stars). 3 submissions from 3 submitters: Uncertain significance (3). Last evaluated 2025-11-23.

Conditions:
Cardiovascular phenotype. Identifiers: MedGen CN230736.
Cardiac arrhythmia. Also called: Cardiac rhythm disease; Arrhythmia. Identifiers: MedGen C0003811, MONDO:0007263, HP:0011675.
Long QT syndrome (LQTS). Identifiers: MedGen C0023976, MeSH D008133, MONDO:0002442. Disease mechanism: loss of function. Inheritance: Various modes of inheritance.

Submissions (3):

Labcorp Genetics (formerly Invitae), Labcorp
Classification: Uncertain significance for Long QT syndrome. Last evaluated: 2025-11-23. Review status: criteria provided, single submitter. Criteria: Invitae Variant Classification Sherloc (09022015). Collection method: clinical testing. Allele origin: germline.
Comment: This sequence change replaces glycine, which is neutral and non-polar, with arginine, which is basic and polar, at codon 766 of the KCNH2 protein (p.Gly766Arg). This variant is not present in population databases (gnomAD no frequency). This variant has not been reported in the literature in individuals affected with KCNH2-related conditions. ClinVar contains an entry for this variant (Variation ID: 519498). An algorithm developed to predict the effect of missense changes on protein structure and function (PolyPhen-2) suggests that this variant is likely to be disruptive. In summary, the available evidence is currently insufficient to determine the role of this variant in disease. Therefore, it has been classified as a Variant of Uncertain Significance.

Color Diagnostics, LLC DBA Color Health
Classification: Uncertain significance for Cardiac arrhythmia. Last evaluated: 2025-02-17. Review status: criteria provided, single submitter. Criteria: ACMG Guidelines, 2015. Collection method: clinical testing. Allele origin: germline.
Comment: This missense variant replaces glycine with arginine at codon 766 of the KCNH2 protein. Computational prediction suggests that this variant may have deleterious impact on protein structure and function (internally defined REVEL score threshold >= 0.7, PMID: 27666373). To our knowledge, functional studies have not been reported for this variant. This variant has not been reported in individuals affected with KCNH2-related disorders in the literature. This variant has not been identified in the general population by the Genome Aggregation Database (gnomAD). The available evidence is insufficient to determine the role of this variant in disease conclusively. Therefore, this variant is classified as a Variant of Uncertain Significance.

Ambry Genetics
Classification: Uncertain significance for Cardiovascular phenotype. Last evaluated: 2024-12-30. Review status: criteria provided, single submitter. Criteria: Ambry Variant Classification Scheme 2023. Collection method: clinical testing. Allele origin: germline.
Comment: The p.G766R variant (also known as c.2296G>A), located in coding exon 9 of the KCNH2 gene, results from a G to A substitution at nucleotide position 2296. The glycine at codon 766 is replaced by arginine, an amino acid with dissimilar properties. This amino acid position is highly conserved in available vertebrate species. In addition, this alteration is predicted to be deleterious by in silico analysis. Since supporting evidence is limited at this time, the clinical significance of this alteration remains unclear.

NM_000238.4(KCNH2):c.2296G>A (p.Gly766Arg)

Gene: KCNH2 (potassium voltage-gated channel subfamily H member 2; minus strand). Cytogenetic location: 7q36.1.
Variant type: single nucleotide variant.
Coding change: c.2296G>A on transcript NM_000238.4 (MANE Select); coding-DNA position 2296, G replaced by A.
Protein change: p.Gly766Arg; replaces glycine 766 with arginine.
Molecular consequence: missense variant.
Genome position (GRCh38, 1-based): chr7:150,950,270, C>T on the plus strand (G>A on the coding strand, the complement: KCNH2 is on the minus strand). VCF-style: chr7-150950270-C-T. GRCh37 (hg19) VCF-style: chr7-150647358-C-T.
Other names: c.1276G>A, p.Gly426Arg (NM_001204798.2, NM_172057.3); c.2008G>A, p.Gly670Arg (NM_001406753.1, NM_001406756.1); c.2119G>A, p.Gly707Arg (NM_001406755.1); c.1996G>A, p.Gly666Arg (NM_001406757.1); c.2296G>A, p.Gly766Arg (NM_172056.3); short protein forms G426R, G766R, G707R, G666R, G670R.
Identifiers: ClinVar variation 519498 (VCV000519498.10), dbSNP rs1057524377, ClinGen allele CA369856252.
Genomic context (GRCh38, chr7:150,950,270, plus strand): 5'-AGCCCCGGGAGATGAAGTACAGGGCGGTGAGCAGGTCCCCAGCATGCACCAGTGTGTCCC[C>T]TGGCGGTGCATGTGTGGTCTTGAACTTCATGGCCAGGGCCCGAAGGCAGCCCTTGGTGGC-3'
Protein context (NP_000229.1, residues 756-776): MKFKTTHAPP[Gly766Arg]DTLVHAGDLL